The following is an entry in ClinVar:

NM_033337.3(CAV3):c.424A>G (p.Ser142Gly)

Genes: OXTR (oxytocin receptor; minus strand), CAV3 (caveolin 3; plus strand). Cytogenetic location: 3p25.3.
Variant type: single nucleotide variant.
Coding change: c.424A>G on transcript NM_033337.3 (MANE Select); coding-DNA position 424, A replaced by G.
Protein change: p.Ser142Gly; replaces serine 142 with glycine.
Molecular consequence: missense variant.
Genome position (GRCh38, 1-based): chr3:8,745,835, A>G. VCF-style: chr3-8745835-A-G. GRCh37 (hg19) VCF-style: chr3-8787521-A-G.
Other names: c.424A>G, p.Ser142Gly (NM_001234.5); short protein forms S142G.
Identifiers: ClinVar variation 834665 (VCV000834665.1), dbSNP rs1708143412, ClinGen allele CA351663738.
Genomic context (GRCh38, chr3:8,745,835, plus strand): 5'-TCACTCTGCATCCGCACCTTCTGCAACCCACTCTTCGCGGCCCTGGGCCAGGTCTGCAGC[A>G]GCATCAAGGTGGTGCTGCGGAAGGAGGTCTAAAGCCAGGTGGGGCAACAGCGGTGGCAGG-3'
Protein context (NP_203123.1, residues 132-151): LFAALGQVCS[Ser142Gly]IKVVLRKEV

ClinVar aggregate classification (germline): Uncertain significance (1 of 4 stars; one submission).

Conditions:
Long QT syndrome (LQTS). Identifiers: MedGen C0023976, MeSH D008133, MONDO:0002442. Disease mechanism: loss of function. Inheritance: Various modes of inheritance.

Submission:

Labcorp Genetics (formerly Invitae), Labcorp
Classification: Uncertain significance for Long QT syndrome. Last evaluated: 2019-03-08. Review status: criteria provided, single submitter. Criteria: Invitae Variant Classification Sherloc (09022015). Collection method: clinical testing. Allele origin: germline.
Comment: This sequence change replaces serine with glycine at codon 142 of the CAV3 protein (p.Ser142Gly). The serine residue is moderately conserved and there is a small physicochemical difference between serine and glycine. This variant is not present in population databases (ExAC no frequency). This variant has not been reported in the literature in individuals with CAV3-related conditions. Algorithms developed to predict the effect of missense changes on protein structure and function (SIFT, PolyPhen-2, Align-GVGD) all suggest that this variant is likely to be tolerated, but these predictions have not been confirmed by published functional studies and their clinical significance is uncertain. In summary, the available evidence is currently insufficient to determine the role of this variant in disease. Therefore, it has been classified as a Variant of Uncertain Significance.